The following is an entry in ClinVar:

ClinVar aggregate classification (germline): Benign. Review status: criteria provided, multiple submitters, no conflicts (2 of 4 stars). 5 submissions from 5 submitters: Benign (5). Last evaluated 2026-02-03.

Conditions:
EEM syndrome (EEMS). Identifiers: Orphanet 1897, MedGen C1857041, MONDO:0009155, OMIM 225280.

Allele frequency attached by ClinVar (database versions not stated): 1000 Genomes Project 30x 0.30028; TOPMed 0.30337; ESP Exome Variant Server 0.30671; 1000 Genomes Project 0.30990; gnomAD 0.32131; ExAC 0.36580.

Submissions (5):

Labcorp Genetics (formerly Invitae), Labcorp
Classification: Benign. Last evaluated: 2026-02-03. Review status: criteria provided, single submitter. Criteria: Invitae Variant Classification Sherloc (09022015). Collection method: clinical testing. Allele origin: germline.

Blueprint Genetics
Classification: Benign. Last evaluated: 2024-11-28. Review status: criteria provided, single submitter. Criteria: ACMG Guidelines, 2015. Collection method: clinical testing. Allele origin: germline.

GeneDx
Classification: Benign. Last evaluated: 2018-04-26. Review status: criteria provided, single submitter. Criteria: GeneDx Variant Classification (06012015). Collection method: clinical testing. Allele origin: germline. Affected: yes.
Comment: This variant is considered likely benign or benign based on one or more of the following criteria: it is a conservative change, it occurs at a poorly conserved position in the protein, it is predicted to be benign by multiple in silico algorithms, and/or has population frequency not consistent with disease.

Illumina Laboratory Services, Illumina
Classification: Benign for EEM syndrome. Last evaluated: 2018-01-13. Review status: criteria provided, single submitter. Criteria: ICSL Variant Classification Criteria 13 December 2019. Collection method: clinical testing. Allele origin: germline.
Comment: This variant was observed in the ICSL laboratory as part of a predisposition screen in an ostensibly healthy population. It had not been previously curated by ICSL or reported in the Human Gene Mutation Database (HGMD: prior to June 1st, 2018), and was therefore a candidate for classification through an automated scoring system. Utilizing variant allele frequency, disease prevalence and penetrance estimates, and inheritance mode, an automated score was calculated to assess if this variant is too frequent to cause the disease. Based on the score and internal cut-off values, a variant classified as benign is not then subjected to further curation. The score for this variant resulted in a classification of benign for this disease.

Breakthrough Genomics
Classification: Benign. Review status: criteria provided, single submitter. Criteria: ACMG Guidelines, 2015. Collection method: not provided. Allele origin: germline. Inheritance: Autosomal recessive inheritance. Affected: yes.

NM_001793.6(CDH3):c.1689G>C (p.Gln563His)

Gene: CDH3 (cadherin 3; plus strand). Cytogenetic location: 16q22.1.
Variant type: single nucleotide variant.
Coding change: c.1689G>C on transcript NM_001793.6 (MANE Select); coding-DNA position 1689, G replaced by C.
Protein change: p.Gln563His; replaces glutamine 563 with histidine.
Molecular consequence: missense variant.
Genome position (GRCh38, 1-based): chr16:68,687,630, G>C. VCF-style: chr16-68687630-G-C. GRCh37 (hg19) VCF-style: chr16-68721533-G-C.
Other names: c.1689G>C, p.Gln563His (NM_001317195.3); c.1524G>C, p.Gln508His (NM_001317196.2); short protein forms Q563H, Q508H.
Identifiers: ClinVar variation 320245 (VCV000320245.16), dbSNP rs1126933, ClinGen allele CA8129442.
Genomic context (GRCh38, chr16:68,687,630, plus strand): 5'-CCATGGCCCAGTCCCTGAGCCCCGTCAGATCACCATCTGCAACCAAAGCCCTGTGCGCCA[G>C]GTGCTGAACATCACGGACAAGGACCTGTCTCCCCACACCTCCCCTTTCCAGGCCCAGCTC-3'
Protein context (NP_001784.2, residues 553-573): ITICNQSPVR[Gln563His]VLNITDKDLS